The following is an entry in ClinVar:

NM_014028.4(OSTM1):c.*331A>G

Gene: OSTM1 (osteoclastogenesis associated transmembrane protein 1; minus strand). Cytogenetic location: 6q21.
Variant type: single nucleotide variant.
Coding change: c.*331A>G on transcript NM_014028.4 (MANE Select); 331 bases downstream of the stop codon, A replaced by G.
Molecular consequence: 3 prime UTR variant.
Genome position (GRCh38, 1-based): chr6:108,044,454, T>C on the plus strand (A>G on the coding strand, the complement: OSTM1 is on the minus strand). VCF-style: chr6-108044454-T-C. GRCh37 (hg19) VCF-style: chr6-108365658-T-C.
Identifiers: ClinVar variation 354976 (VCV000354976.5), dbSNP rs9320250, ClinGen allele CA10625676.

ClinVar aggregate classification (germline): Benign (1 of 4 stars; one submission).

Conditions:
Autosomal recessive osteopetrosis 5. Identifiers: Orphanet 85179, MedGen C1968603, MONDO:0009817, OMIM 259720.

Allele frequency attached by ClinVar (database versions not stated): gnomAD exomes 0.33675; gnomAD 0.41133 and 0.41485; TOPMed 0.42990; 1000 Genomes Project 0.47644; 1000 Genomes Project 30x 0.48079.
gnomAD v4.1: 71,243 of 178,348 alleles (40%); highest among the groups gnomAD compares: African/African-American, 60%; 16,136 homozygotes.

Submission:

Illumina Laboratory Services, Illumina
Classification: Benign for Autosomal recessive osteopetrosis 5. Last evaluated: 2018-01-13. Review status: criteria provided, single submitter. Criteria: ICSL Variant Classification Criteria 13 December 2019. Collection method: clinical testing. Allele origin: germline.
Comment: This variant was observed in the ICSL laboratory as part of a predisposition screen in an ostensibly healthy population. It had not been previously curated by ICSL or reported in the Human Gene Mutation Database (HGMD: prior to June 1st, 2018), and was therefore a candidate for classification through an automated scoring system. Utilizing variant allele frequency, disease prevalence and penetrance estimates, and inheritance mode, an automated score was calculated to assess if this variant is too frequent to cause the disease. Based on the score and internal cut-off values, a variant classified as benign is not then subjected to further curation. The score for this variant resulted in a classification of benign for this disease.